The following is an entry in ClinVar:

NM_014140.4(SMARCAL1):c.1169del (p.Pro390fs)

Gene: SMARCAL1 (SNF2 related chromatin remodeling annealing helicase 1; plus strand). Cytogenetic location: 2q35.
Variant type: Deletion.
Coding change: c.1169del on transcript NM_014140.4 (MANE Select); coding-DNA position 1169, one base deleted (C; older notation c.1169delC).
Protein change: p.Pro390fs; shifts the reading frame from proline 390.
Molecular consequence: frameshift variant.
Genome position (GRCh38, 1-based): chr2:216,428,617, C deleted; the last of 3 consecutive C bases (chr2:216,428,615-216,428,617); deleting any one gives the same sequence. VCF-style (leftmost placement, unchanged base first): chr2-216428614-TC-T. GRCh37 (hg19) VCF-style: chr2-217293337-TC-T.
Other names: c.1169del, p.Pro390fs (NM_001127207.2); c.1169delC, p.Pro390Hisfs (NM_014140.3); short protein forms P390fs.
Identifiers: ClinVar variation 1915564 (VCV001915564.6), dbSNP rs1693892555, ClinGen allele CA1042320673.

ClinVar aggregate classification (germline): Pathogenic (1 of 4 stars; one submission).

Conditions:
Schimke immuno-osseous dysplasia (SIOD). Also called: Schimke Immunoosseous Dysplasia. Identifiers: Orphanet 1830, MedGen C0877024, MONDO:0009458, OMIM 242900.

Submission:

Labcorp Genetics (formerly Invitae), Labcorp
Classification: Pathogenic for Schimke immuno-osseous dysplasia. Last evaluated: 2023-08-10. Review status: criteria provided, single submitter. Criteria: Invitae Variant Classification Sherloc (09022015). Collection method: clinical testing. Allele origin: germline.
Comment: This sequence change creates a premature translational stop signal (p.Pro390Hisfs*47) in the SMARCAL1 gene. It is expected to result in an absent or disrupted protein product. Loss-of-function variants in SMARCAL1 are known to be pathogenic (PMID: 11799392, 20301550). This variant is not present in population databases (gnomAD no frequency). This variant has not been reported in the literature in individuals affected with SMARCAL1-related conditions. ClinVar contains an entry for this variant (Variation ID: 1915564). For these reasons, this variant has been classified as Pathogenic.

Literature cited by the submitters: PubMed 11799392; PubMed 20301550.